The following is an entry in ClinVar:

NM_000059.4(BRCA2):c.1836A>G (p.Glu612=)

Gene: BRCA2 (BRCA2 DNA repair associated; plus strand). Cytogenetic location: 13q13.1.
Variant type: single nucleotide variant.
Coding change: c.1836A>G on transcript NM_000059.4 (MANE Select); coding-DNA position 1836, A replaced by G.
Protein change: p.Glu612=; no amino-acid change (glutamic acid 612 retained).
Molecular consequence: synonymous variant.
Genome position (GRCh38, 1-based): chr13:32,333,314, A>G. VCF-style: chr13-32333314-A-G. GRCh37 (hg19) VCF-style: chr13-32907451-A-G.
Identifiers: ClinVar variation 387941 (VCV000387941.14), dbSNP rs1049486589, ClinGen allele CA16606415.

ClinVar aggregate classification (germline): Likely benign. Review status: criteria provided, multiple submitters, no conflicts (2 of 4 stars). 5 submissions from 5 submitters: Likely benign (5). Last evaluated 2025-04-13.

Conditions:
Hereditary breast ovarian cancer syndrome. Also called: Hereditary breast and ovarian cancer syndrome; BRCA1- and BRCA2-Associated Hereditary Breast and Ovarian Cancer; Hereditary breast and ovarian cancer; Hereditary breast and/or ovarian cancer syndrome; Hereditary breast and ovarian cancer syndrome (HBOC); Breast and ovarian cancer. Identifiers: Orphanet 145, MedGen C0677776, MeSH D061325, MONDO:0003582. Disease mechanism: loss of function.
Hereditary cancer-predisposing syndrome. Also called: Hereditary Cancer Syndrome; Hereditary neoplastic syndrome; Neoplastic Syndromes, Hereditary; Tumor predisposition. Identifiers: Orphanet 140162, MedGen C0027672, MeSH D009386, MONDO:0015356.

Allele frequency attached by ClinVar (database versions not stated): gnomAD exomes below 0.00001; TOPMed 0.00001.
gnomAD v4.1: 1 of 1,607,326 alleles (0.000062%); highest among the groups gnomAD compares: African/African-American, 0.0013%; no homozygotes.

Submissions (5):

Labcorp Genetics (formerly Invitae), Labcorp
Classification: Likely benign for Hereditary breast ovarian cancer syndrome. Last evaluated: 2025-04-13. Review status: criteria provided, single submitter. Criteria: Invitae Variant Classification Sherloc (09022015). Collection method: clinical testing. Allele origin: germline.

Ambry Genetics
Classification: Likely benign for Hereditary cancer-predisposing syndrome. Last evaluated: 2024-12-15. Review status: criteria provided, single submitter. Criteria: Ambry Variant Classification Scheme 2023. Collection method: clinical testing. Allele origin: germline.

Women's Health and Genetics/Laboratory Corporation of America, LabCorp
Classification: Likely benign. Last evaluated: 2019-12-21. Review status: criteria provided, single submitter. Criteria: LabCorp Variant Classification Summary - May 2015. Collection method: clinical testing. Allele origin: germline.

Color Diagnostics, LLC DBA Color Health
Classification: Likely benign for Hereditary cancer-predisposing syndrome. Last evaluated: 2017-09-12. Review status: criteria provided, single submitter. Criteria: ACMG Guidelines, 2015. Collection method: clinical testing. Allele origin: germline.

GeneDx
Classification: Likely benign. Last evaluated: 2016-07-19. Review status: criteria provided, single submitter. Criteria: GeneDx Variant Classification (06012015). Collection method: clinical testing. Allele origin: germline. Affected: yes.
Comment: This variant is considered likely benign or benign based on one or more of the following criteria: it is a conservative change, it occurs at a poorly conserved position in the protein, it is predicted to be benign by multiple in silico algorithms, and/or has population frequency not consistent with disease.